The following is an entry in ClinVar:

ClinVar aggregate classification (germline): Uncertain significance (1 of 4 stars; one submission).

Submission:

Labcorp Genetics (formerly Invitae), Labcorp
Classification: Uncertain significance. Last evaluated: 2023-04-28. Review status: criteria provided, single submitter. Criteria: Invitae Variant Classification Sherloc (09022015). Collection method: clinical testing. Allele origin: germline.
Comment: In summary, the available evidence is currently insufficient to determine the role of this variant in disease. Therefore, it has been classified as a Variant of Uncertain Significance. An algorithm developed to predict the effect of missense changes on protein structure and function (PolyPhen-2) suggests that this variant is likely to be disruptive. This variant has not been reported in the literature in individuals affected with CXCR2-related conditions. This variant is not present in population databases (gnomAD no frequency). This sequence change replaces methionine, which is neutral and non-polar, with isoleucine, which is neutral and non-polar, at codon 227 of the CXCR2 protein (p.Met227Ile).

NM_001557.4(CXCR2):c.681G>A (p.Met227Ile)

Gene: CXCR2 (C-X-C motif chemokine receptor 2; plus strand). Cytogenetic location: 2q35.
Variant type: single nucleotide variant.
Coding change: c.681G>A on transcript NM_001557.4 (MANE Select); coding-DNA position 681, G replaced by A.
Protein change: p.Met227Ile; replaces methionine 227 with isoleucine.
Molecular consequence: missense variant.
Genome position (GRCh38, 1-based): chr2:218,135,482, G>A. VCF-style: chr2-218135482-G-A. GRCh37 (hg19) VCF-style: chr2-219000205-G-A.
Other names: c.681G>A, p.Met227Ile (NM_001168298.2); short protein forms M227I.
Identifiers: ClinVar variation 2860307 (VCV002860307.3), dbSNP rs1690767889, ClinGen allele CA350530824.